The following is an entry in ClinVar:

NM_000492.4(CFTR):c.1109A>T (p.Lys370Ile)

Gene: CFTR (CF transmembrane conductance regulator; plus strand). Cytogenetic location: 7q31.2.
Variant type: single nucleotide variant.
Coding change: c.1109A>T on transcript NM_000492.4 (MANE Select); coding-DNA position 1109, A replaced by T.
Protein change: p.Lys370Ile; replaces lysine 370 with isoleucine.
Molecular consequence: missense variant.
Genome position (GRCh38, 1-based): chr7:117,540,339, A>T. VCF-style: chr7-117540339-A-T. GRCh37 (hg19) VCF-style: chr7-117180393-A-T.
Other names: short protein forms K370I.
Identifiers: ClinVar variation 4001876 (VCV004001876.1).
Genomic context (GRCh38, chr7:117,540,339, plus strand): 5'-TCACTCGGCAATTTCCCTGGGCTGTACAAACATGGTATGACTCTCTTGGAGCAATAAACA[A>T]AATACAGGTAATGTACCATAATGCTGCATTATATACTATGATTTAAATAATCAGTCAATA-3'
Protein context (NP_000483.3, residues 360-380): TWYDSLGAIN[Lys370Ile]IQDFLQKQEY

ClinVar aggregate classification (germline): Uncertain significance (1 of 4 stars; one submission).

Conditions:
Cystic fibrosis (CF). Also called: MUCOVISCIDOSIS. Identifiers: Orphanet 586, MedGen C0010674, MONDO:0009061, OMIM 219700. Disease mechanism: loss of function.

Submission:

Ambry Genetics
Classification: Uncertain significance for Cystic fibrosis. Last evaluated: 2025-05-24. Review status: criteria provided, single submitter. Criteria: Ambry Variant Classification Scheme 2023. Collection method: clinical testing. Allele origin: germline.
Comment: The p.K370I variant (also known as c.1109A>T), located in coding exon 8 of the CFTR gene, results from an A to T substitution at nucleotide position 1109. The lysine at codon 370 is replaced by isoleucine, an amino acid with dissimilar properties. This amino acid position is conserved. In addition, this alteration is predicted to be deleterious by in silico analysis. Based on the available evidence, the clinical significance of this variant remains unclear.